The following is an entry in ClinVar:

NM_001365951.3(KIF1B):c.4600C>T (p.Leu1534Phe)

Gene: KIF1B (kinesin family member 1B; plus strand). Cytogenetic location: 1p36.22.
Variant type: single nucleotide variant.
Coding change: c.4600C>T on transcript NM_001365951.3 (MANE Select); coding-DNA position 4600, C replaced by T.
Protein change: p.Leu1534Phe; replaces leucine 1534 with phenylalanine.
Molecular consequence: missense variant.
Genome position (GRCh38, 1-based): chr1:10,365,496, C>T. VCF-style: chr1-10365496-C-T. GRCh37 (hg19) VCF-style: chr1-10425554-C-T.
Other names: c.4600C>T, p.Leu1534Phe (NM_001365952.1); c.4462C>T, p.Leu1488Phe (NM_015074.3); short protein forms L1488F, L1534F.
Identifiers: ClinVar variation 1515234 (VCV001515234.11), dbSNP rs200971835, ClinGen allele CA582134.

ClinVar aggregate classification (germline): Uncertain significance. Review status: criteria provided, multiple submitters, no conflicts (2 of 4 stars). 2 submissions from 2 submitters: Uncertain significance (2). Last evaluated 2024-07-09.

Conditions:
Charcot-Marie-Tooth disease type 2. Also called: Charcot-Marie-Tooth type 2. Identifiers: Orphanet 64746, MedGen C0270914, MONDO:0018993.

Allele frequency attached by ClinVar (database versions not stated): gnomAD exomes 0.00001 and below 0.00001; 1000 Genomes Project 0.00020; gnomAD 0.00001; 1000 Genomes Project 30x 0.00031; TOPMed below 0.00001; ExAC 0.00002.
gnomAD v4.1: 3 of 1,614,194 alleles (0.00019%); highest among the groups gnomAD compares: Admixed American, 0.0033%; no homozygotes.

Submissions (2):

Ambry Genetics
Classification: Uncertain significance. Last evaluated: 2024-07-09. Review status: criteria provided, single submitter. Criteria: Ambry Variant Classification Scheme 2023. Collection method: clinical testing. Allele origin: germline.
Comment: The p.L1488F variant (also known as c.4462C>T), located in coding exon 40 of the KIF1B gene, results from a C to T substitution at nucleotide position 4462. The leucine at codon 1488 is replaced by phenylalanine, an amino acid with highly similar properties. This amino acid position is conserved. In addition, this alteration is predicted to be tolerated by in silico analysis. Since supporting evidence is limited at this time, the clinical significance of this alteration remains unclear.

Labcorp Genetics (formerly Invitae), Labcorp
Classification: Uncertain significance for Charcot-Marie-Tooth disease type 2. Last evaluated: 2021-07-12. Review status: criteria provided, single submitter. Criteria: Invitae Variant Classification Sherloc (09022015). Collection method: clinical testing. Allele origin: germline.
Comment: Algorithms developed to predict the effect of missense changes on protein structure and function (SIFT, PolyPhen-2, Align-GVGD) all suggest that this variant is likely to be tolerated. In summary, the available evidence is currently insufficient to determine the role of this variant in disease. Therefore, it has been classified as a Variant of Uncertain Significance. This variant has not been reported in the literature in individuals affected with KIF1B-related conditions. This variant is present in population databases (rs200971835, ExAC 0.01%). This sequence change replaces leucine with phenylalanine at codon 1488 of the KIF1B protein (p.Leu1488Phe). The leucine residue is moderately conserved and there is a small physicochemical difference between leucine and phenylalanine.